The following is an entry in ClinVar:

ClinVar aggregate classification (germline): Uncertain significance. Review status: criteria provided, multiple submitters, no conflicts (2 of 4 stars). 3 submissions from 3 submitters: Uncertain significance (3). Last evaluated 2025-08-06.

Conditions:
X-linked myopathy with postural muscle atrophy. Also called: FHL1-Related Emery-Dreifuss Muscular Dystrophy, X-Linked. Identifiers: Orphanet 178461, MedGen C2678055, MONDO:0010401, OMIM 300696.
Cardiovascular phenotype. Identifiers: MedGen CN230736.

Submissions (3):

Ambry Genetics
Classification: Uncertain significance for Cardiovascular phenotype. Last evaluated: 2025-08-06. Review status: criteria provided, single submitter. Criteria: Ambry Variant Classification Scheme 2023. Collection method: clinical testing. Allele origin: germline.
Comment: The p.Q206R variant (also known as c.617A>G), located in coding exon 4 of the FHL1 gene, results from an A to G substitution at nucleotide position 617. The glutamine at codon 206 is replaced by arginine, an amino acid with highly similar properties. This amino acid position is conserved. In addition, the in silico prediction for this alteration is inconclusive. Based on the available evidence, the clinical significance of this variant remains unclear.

Dasa
Classification: Uncertain significance. Last evaluated: 2025-01-13. Review status: criteria provided, single submitter. Criteria: DASA Assertion Criteria. Collection method: clinical testing. Allele origin: germline.
Comment: NM_001159699.2(FHL1):c.665A>G (p.Gln222Arg) is a missense variant that results in the substitution of glutamine with arginine. This variant is absent from population databases. Computational prediction algorithms are consistent with a benign effect. The currently available literature and clinical evidence are not sufficient to establish a definitive association between this variant and the reported condition. Therefore, this variant is classified as a variant of uncertain significance.

Labcorp Genetics (formerly Invitae), Labcorp
Classification: Uncertain significance for X-linked myopathy with postural muscle atrophy. Last evaluated: 2023-08-02. Review status: criteria provided, single submitter. Criteria: Invitae Variant Classification Sherloc (09022015). Collection method: clinical testing. Allele origin: germline.
Comment: In summary, the available evidence is currently insufficient to determine the role of this variant in disease. Therefore, it has been classified as a Variant of Uncertain Significance. An algorithm developed to predict the effect of missense changes on protein structure and function (PolyPhen-2) suggests that this variant is likely to be tolerated. ClinVar contains an entry for this variant (Variation ID: 1498063). This variant has not been reported in the literature in individuals affected with FHL1-related conditions. This variant is not present in population databases (gnomAD no frequency). This sequence change replaces glutamine, which is neutral and polar, with arginine, which is basic and polar, at codon 206 of the FHL1 protein (p.Gln206Arg).

NM_001159699.2(FHL1):c.665A>G (p.Gln222Arg)

Gene: FHL1 (four and a half LIM domains 1; plus strand). Cytogenetic location: Xq26.3.
Variant type: single nucleotide variant.
Coding change: c.665A>G on transcript NM_001159699.2 (MANE Select); coding-DNA position 665, A replaced by G.
Protein change: p.Gln222Arg; replaces glutamine 222 with arginine.
Molecular consequence: missense variant. On other transcripts: non-coding transcript variant (1), intron variant (2).
Genome position (GRCh38, 1-based): chrX:136,208,570, A>G. VCF-style: chrX-136208570-A-G. GRCh37 (hg19) VCF-style: chrX-135290729-A-G.
Other names: c.617A>G, p.Gln206Arg (NM_001159700.2, NM_001159702.3, NM_001159704.1 and 8 more transcripts); c.704A>G, p.Gln235Arg (NM_001159701.2); c.501+609A>G (NM_001159703.2); c.549+609A>G (NM_001330659.2); c.617A>G (NM_001449.4); short protein forms Q222R, Q235R, Q206R.
Identifiers: ClinVar variation 1498063 (VCV001498063.9), dbSNP rs915687031, ClinGen allele CA336095527.